The following is an entry in ClinVar:

ClinVar aggregate classification (germline): Uncertain significance (1 of 4 stars; one submission).

Conditions:
Familial dysautonomia. Also called: FD; HSAN III. Identifiers: Orphanet 1764, MedGen C0013364, MONDO:0009131, OMIM 223900. Disease mechanism: loss of function.

Submission:

Labcorp Genetics (formerly Invitae), Labcorp
Classification: Uncertain significance for Familial dysautonomia. Last evaluated: 2017-12-20. Review status: criteria provided, single submitter. Criteria: Invitae Variant Classification Sherloc (09022015). Collection method: clinical testing. Allele origin: germline.
Comment: This variant is a gross duplication of the genomic region encompassing the first coding exon of the IKBKAP gene. The 5' end of this event is unknown as it extends beyond the assayed region for this gene and therefore may encompass additional genes. The 3' boundary is likely confined to intron 2 of the IKBKAP gene. The exact location of this variant in the genome is unknown. This variant has not been reported in the literature in individuals with IKBKAP-related disease. In summary, the available evidence is currently insufficient to determine the role of this variant in disease. Therefore, it has been classified as a Variant of Uncertain Significance.

NC_000009.11:g.(?_111693257)_(111693446_?)dup

Gene: ELP1 (elongator acetyltransferase complex subunit 1; minus strand). Cytogenetic location: 9q31.3.
Variant type: Duplication.
Identifiers: ClinVar variation 526207 (VCV000526207.1).